The following is an entry in ClinVar:

NM_198576.4(AGRN):c.574C>G (p.Arg192Gly)

Gene: AGRN (agrin; plus strand). Cytogenetic location: 1p36.33.
Variant type: single nucleotide variant.
Coding change: c.574C>G on transcript NM_198576.4 (MANE Select); coding-DNA position 574, C replaced by G.
Protein change: p.Arg192Gly; replaces arginine 192 with glycine.
Molecular consequence: missense variant.
Genome position (GRCh38, 1-based): chr1:1,040,727, C>G. VCF-style: chr1-1040727-C-G. GRCh37 (hg19) VCF-style: chr1-976107-C-G.
Other names: c.574C>G, p.Arg192Gly (NM_001305275.2); c.259C>G, p.Arg87Gly (NM_001364727.2); short protein forms R87G, R192G.
Identifiers: ClinVar variation 2157829 (VCV002157829.4), dbSNP rs1056434535, ClinGen allele CA337821736.

ClinVar aggregate classification (germline): Uncertain significance (1 of 4 stars; one submission).

Conditions:
Congenital myasthenic syndrome 8. Also called: MYASTHENIC SYNDROME, CONGENITAL, DUE TO AGRIN DEFICIENCY; Myasthenic syndrome, congenital, 8, with pre- and postsynaptic defects. Identifiers: Orphanet 590, MedGen C3808739, MONDO:0014052, OMIM 615120.

gnomAD v4.1: 2 of 1,545,994 alleles (0.00013%); highest among the groups gnomAD compares: Admixed American, 0.0039%; no homozygotes.

Submission:

Labcorp Genetics (formerly Invitae), Labcorp
Classification: Uncertain significance for Congenital myasthenic syndrome 8. Last evaluated: 2022-08-17. Review status: criteria provided, single submitter. Criteria: Invitae Variant Classification Sherloc (09022015). Collection method: clinical testing. Allele origin: germline.
Comment: In summary, the available evidence is currently insufficient to determine the role of this variant in disease. Therefore, it has been classified as a Variant of Uncertain Significance. This sequence change replaces arginine, which is basic and polar, with glycine, which is neutral and non-polar, at codon 192 of the AGRN protein (p.Arg192Gly). This variant is present in population databases (no rsID available, gnomAD 0.008%). This variant has not been reported in the literature in individuals affected with AGRN-related conditions. Algorithms developed to predict the effect of missense changes on protein structure and function are either unavailable or do not agree on the potential impact of this missense change (SIFT: "Deleterious"; PolyPhen-2: "Benign"; Align-GVGD: "Class C0").